The following is an entry in ClinVar:

ClinVar aggregate classification (germline): Conflicting classifications of pathogenicity. Review status: criteria provided, conflicting classifications (1 of 4 stars). 3 submissions from 3 submitters: Uncertain significance (1); Likely benign (2). Last evaluated 2026-01-07.

Conditions:
Peroxisome biogenesis disorder 3A (Zellweger). Also called: PEROXISOMAL BIOGENESIS DISORDER 3A (ZELLWEGER); Peroxisome biogenesis disorder 3A. Identifiers: Orphanet 912, MedGen C3553929, MONDO:0013927, OMIM 614859.
PEX12-related disorder. Also called: PEX12-related disorders; PEX12-related condition.

Allele frequency attached by ClinVar (database versions not stated): gnomAD exomes below 0.00001 and 0.00001; ExAC 0.00002; TOPMed 0.00003; gnomAD 0.00005.

Submissions (3):

PreventionGenetics, part of Exact Sciences
Classification: Likely benign for PEX12-related condition. Last evaluated: 2026-01-07. Review status: criteria provided, single submitter. Criteria: ACMG Guidelines, 2015. Collection method: clinical testing. Allele origin: germline.
Comment: This variant is classified as likely benign based on ACMG/AMP sequence variant interpretation guidelines (Richards et al. 2015 PMID: 25741868, with internal and published modifications).

Labcorp Genetics (formerly Invitae), Labcorp
Classification: Likely benign for Peroxisome biogenesis disorder 3A (Zellweger). Last evaluated: 2025-12-02. Review status: criteria provided, single submitter. Criteria: Invitae Variant Classification Sherloc (09022015). Collection method: clinical testing. Allele origin: germline.

Eurofins Ntd Llc (ga)
Classification: Uncertain significance. Last evaluated: 2018-08-29. Review status: criteria provided, single submitter. Criteria: EGL ClinVar v180209 classification definitions. Collection method: clinical testing. Allele origin: germline. Observed: 1 variant allele, 1 heterozygote.

NM_000286.3(PEX12):c.597G>A (p.Gln199=)

Gene: PEX12 (peroxisomal biogenesis factor 12; minus strand). Cytogenetic location: 17q12.
Variant type: single nucleotide variant.
Coding change: c.597G>A on transcript NM_000286.3 (MANE Select); coding-DNA position 597, G replaced by A.
Protein change: p.Gln199=; no amino-acid change (glutamine 199 retained).
Molecular consequence: synonymous variant.
Genome position (GRCh38, 1-based): chr17:35,577,121, C>T on the plus strand (G>A on the coding strand, the complement: PEX12 is on the minus strand). VCF-style: chr17-35577121-C-T. GRCh37 (hg19) VCF-style: chr17-33904140-C-T.
Other names: c.597G>A (NM_000286.2).
Identifiers: ClinVar variation 598587 (VCV000598587.10), dbSNP rs756193716, ClinGen allele CA8504885.